The following is an entry in ClinVar:

ClinVar aggregate classification (germline): Conflicting classifications of pathogenicity. Review status: criteria provided, conflicting classifications (1 of 4 stars). 4 submissions from 4 submitters: Likely pathogenic (1); Uncertain significance (3). Last evaluated 2026-03-09.

Conditions:
HNF1B-related disorder. Also called: HNF1B-related condition; HNF1B-related disorders.
Type 2 diabetes mellitus. Also called: Type II diabetes mellitus. Identifiers: MedGen C0011860, MeSH D003924, MONDO:0005148, OMIM 125853, HP:0005978.
Renal cysts and diabetes syndrome (RCAD). Also called: Familial hypoplastic, glomerulocystic kidney; MATURITY-ONSET DIABETES OF THE YOUNG, TYPE 5. Identifiers: Orphanet 93111, MedGen C0431693, MONDO:0007669, OMIM 137920.
Nonpapillary renal cell carcinoma. Identifiers: Orphanet 422526, MedGen CN074294, MONDO:0007763, OMIM 144700.

Allele frequency attached by ClinVar (database versions not stated): TOPMed 0.00001; ExAC 0.00002; gnomAD 0.00002.
gnomAD v4.1: 13 of 1,613,918 alleles (0.00081%); highest among the groups gnomAD compares: South Asian, 0.0055%; no homozygotes.

Submissions (4):

PreventionGenetics, part of Exact Sciences
Classification: Uncertain significance for HNF1B-related condition. Last evaluated: 2026-03-09. Review status: criteria provided, single submitter. Criteria: ACMG Guidelines, 2015. Collection method: clinical testing. Allele origin: germline.
Comment: The HNF1B c.542G>A variant is predicted to result in the amino acid substitution p.Arg181Gln. This variant has been reported in individuals with congenital anomalies of kidney and urinary tract (CAKUT), autosomal dominant polycystic kidney disease (ADPKD) or maturity onset diabetes of the young (MODY) (Hwang et al. 2014. PubMed ID: 24429398; Tatsi et al. 2019. PubMed ID: 31604004; eTable 8, Chang et al. 2022. PubMed ID: 36573973). This variant is reported in 0.016% of alleles in individuals of South Asian descent in gnomAD. This variant is reported in 0.016% of alleles in individuals of South Asian descent in gnomAD. At this time, the clinical significance of this variant is uncertain due to the absence of conclusive functional and genetic evidence.

Labcorp Genetics (formerly Invitae), Labcorp
Classification: Uncertain significance. Last evaluated: 2026-02-01. Review status: criteria provided, single submitter. Criteria: Invitae Variant Classification Sherloc (09022015). Collection method: clinical testing. Allele origin: germline.
Comment: This sequence change replaces arginine, which is basic and polar, with glutamine, which is neutral and polar, at codon 181 of the HNF1B protein (p.Arg181Gln). This variant is present in population databases (rs776195231, gnomAD 0.02%). This missense change has been observed in individual(s) with clinical features of HNF1B-related conditions (PMID: 24429398, 31604004, 36573973). ClinVar contains an entry for this variant (Variation ID: 635672). An algorithm developed to predict the effect of missense changes on protein structure and function (PolyPhen-2) suggests that this variant is likely to be tolerated. In summary, the available evidence is currently insufficient to determine the role of this variant in disease. Therefore, it has been classified as a Variant of Uncertain Significance.

Fulgent Genetics
Classification: Likely pathogenic for Type 2 diabetes mellitus; Renal cysts and diabetes syndrome; Nonpapillary renal cell carcinoma. Last evaluated: 2024-06-05. Review status: criteria provided, single submitter. Criteria: ACMG Guidelines, 2015. Collection method: clinical testing. Allele origin: germline.

Institute of Human Genetics, FAU Erlangen, Friedrich-Alexander-Universität Erlangen-Nürnberg
Classification: Uncertain significance for Renal cysts and diabetes syndrome. Last evaluated: 2019-07-06. Review status: criteria provided, single submitter. Criteria: ACMG Guidelines, 2015. Collection method: literature only. Allele origin: germline. Affected: yes.
Comment: This variant and it's classification has been reported by Vasileiou et al. 2019; DOI:10.1101/576918. The variants has previously been reported in PMID:24429398 as "c.542G>A p.R181Q" with clinical significance Pathogenic. It has been re-classified using InterVar and manual curation as Uncertain significance based on PM1 PP3 PP5.

Literature cited by the submitters: PubMed 24429398 (cited by Labcorp Genetics (formerly Invitae), Labcorp and Institute of Human Genetics, FAU Erlangen, Friedrich-Alexander-Universität Erlangen-Nürnberg); PubMed 31604004 (cited by Labcorp Genetics (formerly Invitae), Labcorp); PubMed 36573973 (cited by Labcorp Genetics (formerly Invitae), Labcorp); DOI 10.1101/576918 (cited by Institute of Human Genetics, FAU Erlangen, Friedrich-Alexander-Universität Erlangen-Nürnberg).

NM_000458.4(HNF1B):c.542G>A (p.Arg181Gln)

Gene: HNF1B (HNF1 homeobox B; minus strand). Cytogenetic location: 17q12.
Variant type: single nucleotide variant.
Coding change: c.542G>A on transcript NM_000458.4 (MANE Select); coding-DNA position 542, G replaced by A.
Protein change: p.Arg181Gln; replaces arginine 181 with glutamine.
Molecular consequence: missense variant.
Genome position (GRCh38, 1-based): chr17:37,739,442, C>T on the plus strand (G>A on the coding strand, the complement: HNF1B is on the minus strand). VCF-style: chr17-37739442-C-T. GRCh37 (hg19) VCF-style: chr17-36099433-C-T.
Other names: c.542G>A, p.Arg181Gln (NM_001165923.4, NM_001304286.2); short protein forms R181Q.
Identifiers: ClinVar variation 635672 (VCV000635672.8), dbSNP rs776195231, ClinGen allele CA8519066.
Genomic context (GRCh38, chr17:37,739,442, plus strand): 5'-GGGGTGAGAGGGCAAAGGTCACTTCAGGTTGAGGCAGAGGCAGGATGAAAACACTTACGT[C>T]GGAGGATCTCTCGTTGCTTTCTGACGTACCAGGTGTACAGAGCGGCACGCTTCTGGGTCT-3'
Protein context (NP_000449.1, residues 171-191): WYVRKQREIL[Arg181Gln]QFNQTVQSSG